The following is an entry in ClinVar:

ClinVar aggregate classification (germline): Conflicting classifications of pathogenicity. Review status: criteria provided, conflicting classifications (1 of 4 stars). 10 submissions from 10 submitters: Uncertain significance (7); Likely benign (1). 2 of the submissions do not count toward it. Last evaluated 2025-12-03.

Conditions:
Hereditary cancer-predisposing syndrome. Also called: Neoplastic Syndromes, Hereditary; Hereditary Cancer Syndrome; Hereditary neoplastic syndrome; Tumor predisposition. Identifiers: Orphanet 140162, MedGen C0027672, MeSH D009386, MONDO:0015356.
Familial cancer of breast. Also called: Hereditary breast cancer; hereditary breast carcinoma; BREAST CANCER, FAMILIAL. Identifiers: Orphanet 227535, MedGen C0346153, MONDO:0016419, OMIM 114480. Disease mechanism: loss of function.
Ataxia-telangiectasia syndrome (AT). Also called: Cerebello-oculocutaneous telangiectasia; Immunodeficiency with ataxia telangiectasia; Ataxia-telangiectasia, complementation group D; AT, COMPLEMENTATION GROUP C; ATAXIA-TELANGIECTASIA, FRESNO VARIANT; ATAXIA-TELANGIECTASIA, COMPLEMENTATION GROUP A. Identifiers: Orphanet 100, MedGen C0004135, MONDO:0008840, OMIM 208900.

Allele frequency attached by ClinVar (database versions not stated): ExAC 0.00001; gnomAD 0.00001; gnomAD exomes 0.00001.
gnomAD v4.1: 14 of 1,613,704 alleles (0.00087%); highest among the groups gnomAD compares: Admixed American, 0.023%; no homozygotes.

Submissions (10):

Labcorp Genetics (formerly Invitae), Labcorp
Classification: Likely benign for Ataxia-telangiectasia syndrome. Last evaluated: 2025-12-03. Review status: criteria provided, single submitter. Criteria: Invitae Variant Classification Sherloc (09022015). Collection method: clinical testing. Allele origin: germline.

Color Diagnostics, LLC DBA Color Health
Classification: Uncertain significance for Hereditary cancer-predisposing syndrome. Last evaluated: 2025-11-12. Review status: criteria provided, single submitter. Criteria: ACMG Guidelines, 2015. Collection method: clinical testing. Allele origin: germline.
Comment: This missense variant replaces proline with leucine at codon 1680 of the ATM protein. Computational prediction is inconclusive regarding the impact of this variant on protein structure and function. To our knowledge, functional studies have not been reported for this variant. This variant has been reported in individuals affected with breast and/or ovarian cancer (PMID: 28528518, 33471991, 33939675). This variant has been identified in 2/251186 chromosomes in the general population by the Genome Aggregation Database (gnomAD). The available evidence is insufficient to determine the role of this variant in disease conclusively. Therefore, this variant is classified as a Variant of Uncertain Significance.

GeneDx
Classification: Uncertain significance. Last evaluated: 2024-09-16. Review status: criteria provided, single submitter. Criteria: GeneDx Variant Classification Process June 2021. Collection method: clinical testing. Allele origin: germline. Affected: yes.
Comment: Not observed at significant frequency in large population cohorts (gnomAD); In silico analysis supports that this missense variant has a deleterious effect on protein structure/function; Observed in individuals with breast and/or ovarian cancer or with immunodeficiency (PMID: 28528518, 33471991, 34787773); This variant is associated with the following publications: (PMID: 31658756, 25303977, 33471991, 34787773, 33939675, 28528518)

Quest Diagnostics Nichols Institute San Juan Capistrano
Classification: Uncertain significance. Last evaluated: 2024-05-16. Review status: criteria provided, single submitter. Criteria: Quest Diagnostics criteria. Collection method: clinical testing. Allele origin: unknown.

Baylor Genetics
Classification: Uncertain significance for Familial cancer of breast. Last evaluated: 2024-02-29. Review status: criteria provided, single submitter. Criteria: ACMG Guidelines, 2015. Collection method: clinical testing. Allele origin: unknown.

Ambry Genetics
Classification: Uncertain significance for Hereditary cancer-predisposing syndrome. Last evaluated: 2023-12-18. Review status: criteria provided, single submitter. Criteria: Ambry Variant Classification Scheme 2023. Collection method: clinical testing. Allele origin: germline.
Comment: The p.P1680L variant (also known as c.5039C>T), located in coding exon 33 of the ATM gene, results from a C to T substitution at nucleotide position 5039. The proline at codon 1680 is replaced by leucine, an amino acid with similar properties. This amino acid position is highly conserved in available vertebrate species. In addition, this alteration is predicted to be deleterious by in silico analysis. Since supporting evidence is limited at this time, the clinical significance of this alteration remains unclear.

Department of Pathology and Laboratory Medicine, Sinai Health System
Classification: Uncertain significance for Familial cancer of breast. Last evaluated: 2021-10-25. Review status: criteria provided, single submitter. Criteria: ACMG Guidelines, 2015. Collection method: clinical testing. Allele origin: germline. Affected: yes.

Sema4
Classification: Uncertain significance for Hereditary cancer-predisposing syndrome. Last evaluated: 2021-08-07. Review status: criteria provided, single submitter. Criteria: Sema4 Curation Guidelines. Collection method: curation. Allele origin: germline.
Comment: The ATM c.5039C>T (p.P1680L) variant has been reported in heterozygosity in at least two individuals with breast cancer and/or ovarian cancer (PMID: 28528518, 33471991). This variant was observed in 2/34588 chromosomes in the Latino population according to the Genome Aggregation Database (PMID: 32461654) and has been reported in ClinVar (Variation ID: 141976). Functional studies have not been performed, and in silico predictions of the variant's effect on protein function are inconclusive. Based on the current evidence available, this variant is interpreted as a variant of uncertain significance.

Natera, Inc.
Classification: Uncertain significance for Ataxia-telangiectasia. Last evaluated: 2020-01-22. Review status: no assertion criteria provided. Collection method: clinical testing. Allele origin: germline. Not counted in ClinVar's aggregate classification.

Counsyl
Classification: Uncertain significance for Ataxia-telangiectasia syndrome. Last evaluated: 2018-01-05. Review status: no assertion criteria provided. Collection method: clinical testing. Allele origin: unknown. Not counted in ClinVar's aggregate classification.

Literature cited by the submitters: PubMed 28528518 (cited by 4 submitters); PubMed 33471991 (cited by 3 submitters); PubMed 33939675 (cited by Color Diagnostics, LLC DBA Color Health and Quest Diagnostics Nichols Institute San Juan Capistrano).

NM_000051.4(ATM):c.5039C>T (p.Pro1680Leu)

Gene: ATM (ATM serine/threonine kinase; plus strand). Cytogenetic location: 11q22.3.
Variant type: single nucleotide variant.
Coding change: c.5039C>T on transcript NM_000051.4 (MANE Select); coding-DNA position 5039, C replaced by T.
Protein change: p.Pro1680Leu; replaces proline 1680 with leucine.
Molecular consequence: missense variant.
Genome position (GRCh38, 1-based): chr11:108,299,747, C>T. VCF-style: chr11-108299747-C-T. GRCh37 (hg19) VCF-style: chr11-108170474-C-T.
Other names: c.5039C>T, p.Pro1680Leu (NM_001351834.2); short protein forms P1680L.
Identifiers: ClinVar variation 141976 (VCV000141976.36), dbSNP rs587782153, ClinGen allele CA166999.